The following is an entry in ClinVar:

ClinVar aggregate classification (germline): Uncertain significance (1 of 4 stars; one submission).

Conditions:
Gastrointestinal stromal tumor. Also called: Gastrointestinal stroma tumor; Gastrointestinal stromal tumor, somatic. Identifiers: Orphanet 44890, MedGen C0238198, MeSH D046152, MONDO:0011719, OMIM 606764, HP:0100723.

Submission:

Labcorp Genetics (formerly Invitae), Labcorp
Classification: Uncertain significance for Gastrointestinal stromal tumor. Last evaluated: 2025-10-11. Review status: criteria provided, single submitter. Criteria: Invitae Variant Classification Sherloc (09022015). Collection method: clinical testing. Allele origin: germline.
Comment: This sequence change replaces proline, which is neutral and non-polar, with alanine, which is neutral and non-polar, at codon 186 of the PDGFRA protein (p.Pro186Ala). This variant is not present in population databases (gnomAD no frequency). This variant has not been reported in the literature in individuals affected with PDGFRA-related conditions. ClinVar contains an entry for this variant (Variation ID: 2102552). Invitae Evidence Modeling of protein sequence and biophysical properties (such as structural, functional, and spatial information, amino acid conservation, physicochemical variation, residue mobility, and thermodynamic stability) indicates that this missense variant is not expected to disrupt PDGFRA protein function with a negative predictive value of 80%. In summary, the available evidence is currently insufficient to determine the role of this variant in disease. Therefore, it has been classified as a Variant of Uncertain Significance.

NM_006206.6(PDGFRA):c.556C>G (p.Pro186Ala)

Gene: PDGFRA (platelet derived growth factor receptor alpha; plus strand). Cytogenetic location: 4q12.
Variant type: single nucleotide variant.
Coding change: c.556C>G on transcript NM_006206.6 (MANE Select); coding-DNA position 556, C replaced by G.
Protein change: p.Pro186Ala; replaces proline 186 with alanine.
Molecular consequence: missense variant.
Genome position (GRCh38, 1-based): chr4:54,263,855, C>G. VCF-style: chr4-54263855-C-G. GRCh37 (hg19) VCF-style: chr4-55130022-C-G.
Other names: c.556C>G, p.Pro186Ala (NM_001347827.2, NM_001347829.2); c.631C>G, p.Pro211Ala (NM_001347828.2); c.595C>G, p.Pro199Ala (NM_001347830.2); short protein forms P211A, P199A, P186A.
Identifiers: ClinVar variation 2102552 (VCV002102552.4), dbSNP rs866099683, ClinGen allele CA96849176.